The following is an entry in ClinVar:

ClinVar aggregate classification (germline): Uncertain significance (1 of 4 stars; one submission).

Conditions:
Arrhythmogenic right ventricular dysplasia 8 (ARVD8). Also called: Arrhythmogenic Right Ventricular Dysplasia/Cardiomyopathy 8; ARRHYTHMOGENIC RIGHT VENTRICULAR DYSPLASIA, FAMILIAL, 8; ARRHYTHMOGENIC RIGHT VENTRICULAR CARDIOMYOPATHY 8. Identifiers: MedGen C1843896, MONDO:0011831, OMIM 607450.
Arrhythmogenic cardiomyopathy with wooly hair and keratoderma. Also called: PALMOPLANTAR KERATODERMA WITH LEFT VENTRICULAR CARDIOMYOPATHY AND WOOLLY HAIR; Carvajal syndrome; Arrhythmogenic cardiomyopathy with woolly hair and keratoderma; Dilated cardiomyopathy with woolly hair and keratoderma. Identifiers: Orphanet 65282, MedGen C1854063, MONDO:0011581, OMIM 605676.

Allele frequency attached by ClinVar (database versions not stated): gnomAD 0.00001; TOPMed 0.00001.
gnomAD v4.1: 1 of 1,613,246 alleles (0.000062%); highest among the groups gnomAD compares: African/African-American, 0.0013%; no homozygotes.

Submission:

Labcorp Genetics (formerly Invitae), Labcorp
Classification: Uncertain significance for Arrhythmogenic cardiomyopathy with wooly hair and keratoderma; Arrhythmogenic right ventricular dysplasia 8. Last evaluated: 2024-01-11. Review status: criteria provided, single submitter. Criteria: Invitae Variant Classification Sherloc (09022015). Collection method: clinical testing. Allele origin: germline.
Comment: This sequence change replaces serine, which is neutral and polar, with threonine, which is neutral and polar, at codon 317 of the DSP protein (p.Ser317Thr). This variant is not present in population databases (gnomAD no frequency). This variant has not been reported in the literature in individuals affected with DSP-related conditions. An algorithm developed to predict the effect of missense changes on protein structure and function (PolyPhen-2) suggests that this variant is likely to be disruptive. In summary, the available evidence is currently insufficient to determine the role of this variant in disease. Therefore, it has been classified as a Variant of Uncertain Significance.

NM_004415.4(DSP):c.950G>C (p.Ser317Thr)

Gene: DSP (desmoplakin; plus strand). Cytogenetic location: 6p24.3.
Variant type: single nucleotide variant.
Coding change: c.950G>C on transcript NM_004415.4 (MANE Select); coding-DNA position 950, G replaced by C.
Protein change: p.Ser317Thr; replaces serine 317 with threonine.
Molecular consequence: missense variant.
Genome position (GRCh38, 1-based): chr6:7,566,387, G>C. VCF-style: chr6-7566387-G-C. GRCh37 (hg19) VCF-style: chr6-7566620-G-C.
Other names: c.950G>C, p.Ser317Thr (NM_001008844.3, NM_001319034.2, NM_001406591.1); short protein forms S317T.
Identifiers: ClinVar variation 2925685 (VCV002925685.3), dbSNP rs1581800338, ClinGen allele CA362674770.
Genomic context (GRCh38, chr6:7,566,387, plus strand): 5'-AAGTTTAATGATGACTTGCTGCAAAGGATTTCTTATTTCTTCATTCACAGATACGCATGA[G>C]TCAACTGGAAGTTAAAGAAAAAGAGCTCAATAAGCTGAAACAAGAAAGTGACCAACTTGT-3'
Protein context (NP_004406.2, residues 307-327): QKQEAFSIRM[Ser317Thr]QLEVKEKELN